The following is an entry in ClinVar:

NM_001613.4(ACTA2):c.99C>T (p.Phe33=)

Gene: ACTA2 (actin alpha 2, smooth muscle; minus strand). Cytogenetic location: 10q23.31.
Variant type: single nucleotide variant.
Coding change: c.99C>T on transcript NM_001613.4 (MANE Select); coding-DNA position 99, C replaced by T.
Protein change: p.Phe33=; no amino-acid change (phenylalanine 33 retained).
Molecular consequence: synonymous variant.
Genome position (GRCh38, 1-based): chr10:88,948,832, G>A on the plus strand (C>T on the coding strand, the complement: ACTA2 is on the minus strand). VCF-style: chr10-88948832-G-A. GRCh37 (hg19) VCF-style: chr10-90708589-G-A.
Other names: c.99C>T, p.Phe33= (NM_001141945.3, NM_001320855.2, NM_001406462.1 and 7 more transcripts).
Identifiers: ClinVar variation 3073511 (VCV003073511.1), dbSNP rs1320421545, ClinGen allele CA470736947.

ClinVar aggregate classification (germline): Likely benign (1 of 4 stars; one submission).

Conditions:
Familial thoracic aortic aneurysm and aortic dissection (TAAD). Also called: Thoracic aortic aneurysms and dissections. Identifiers: Orphanet 91387, MedGen C4707243, MONDO:0019625.

Allele frequency attached by ClinVar (database versions not stated): gnomAD exomes below 0.00001.
gnomAD v4.1: 1 of 1,613,904 alleles (0.000062%); highest among the groups gnomAD compares: East Asian, 0.0022%; no homozygotes.

Submission:

All of Us Research Program, National Institutes of Health
Classification: Likely benign for Familial thoracic aortic aneurysm and aortic dissection. Last evaluated: 2023-10-02. Review status: criteria provided, single submitter. Criteria: ACMG Guidelines, 2015. Collection method: clinical testing. Allele origin: germline. Inheritance: Autosomal dominant inheritance. Observed: 1 variant allele, 1 heterozygote.
Comment: This study involves interpretation of variants in research participants for the purpose of population health screening. Participant phenotype was not available at the time of variant classification. Additional details can be found in publication PMID: 35346344, PMCID: PMC8962531